The following is an entry in ClinVar:

ClinVar aggregate classification (germline): Benign/Likely benign. Review status: criteria provided, multiple submitters, no conflicts (2 of 4 stars). 4 submissions from 4 submitters: Benign (2); Likely benign (1). 1 of the submissions does not count toward it. Last evaluated 2026-01-05.

Conditions:
NEDD4L-related disorder. Also called: NEDD4L-related condition.

Allele frequency attached by ClinVar (database versions not stated): gnomAD 0.00006; TOPMed 0.00014.
gnomAD v4.1: 300 of 1,613,424 alleles (0.019%); highest among the groups gnomAD compares: South Asian, 0.08%; no homozygotes.

Submissions (4):

Labcorp Genetics (formerly Invitae), Labcorp
Classification: Benign. Last evaluated: 2026-01-05. Review status: criteria provided, single submitter. Criteria: Invitae Variant Classification Sherloc (09022015). Collection method: clinical testing. Allele origin: germline.

CeGaT Center for Human Genetics Tuebingen
Classification: Likely benign. Last evaluated: 2025-12-01. Review status: criteria provided, single submitter. Criteria: CeGaT Center For Human Genetics Tuebingen Variant Classification Criteria Version 2. Collection method: clinical testing. Allele origin: germline. Affected: yes. Observed: 1 variant allele.
Comment: NEDD4L: BP4, BP7

GeneDx
Classification: Benign. Last evaluated: 2021-05-05. Review status: criteria provided, single submitter. Criteria: GeneDx Variant Classification Process June 2021. Collection method: clinical testing. Allele origin: germline. Affected: yes.

PreventionGenetics, part of Exact Sciences
Classification: Likely benign for NEDD4L-related condition. Last evaluated: 2019-05-22. Review status: no assertion criteria provided. Collection method: clinical testing. Allele origin: germline. Not counted in ClinVar's aggregate classification.
Comment: This variant is classified as likely benign based on ACMG/AMP sequence variant interpretation guidelines (Richards et al. 2015 PMID: 25741868, with internal and published modifications).

NM_001144967.3(NEDD4L):c.2892C>T (p.Ala964=)

Gene: NEDD4L (NEDD4 like E3 ubiquitin protein ligase; plus strand). Cytogenetic location: 18q21.31.
Variant type: single nucleotide variant.
Coding change: c.2892C>T on transcript NM_001144967.3 (MANE Select); coding-DNA position 2892, C replaced by T.
Protein change: p.Ala964=; no amino-acid change (alanine 964 retained).
Molecular consequence: synonymous variant.
Genome position (GRCh38, 1-based): chr18:58,396,233, C>T. VCF-style: chr18-58396233-C-T. GRCh37 (hg19) VCF-style: chr18-56063465-C-T.
Other names: c.2529C>T, p.Ala843= (NM_001144964.1, NM_001144965.2, NM_001144966.3); c.2868C>T, p.Ala956= (NM_001144968.2); c.2808C>T, p.Ala936= (NM_001144969.2); c.2469C>T, p.Ala823= (NM_001144970.3, NM_001144971.2); c.2700C>T, p.Ala900= (NM_001243960.2); c.2832C>T, p.Ala944= (NM_015277.6).
Identifiers: ClinVar variation 696336 (VCV000696336.19), dbSNP rs372898637, ClinGen allele CA8976071.